The following is an entry in ClinVar:

NM_005222.4(DLX6):c.295C>T (p.Pro99Ser)

Genes: DLX6 (distal-less homeobox 6; plus strand), DLX6-AS1 (DLX6 antisense RNA 1; minus strand). Cytogenetic location: 7q21.3.
Variant type: single nucleotide variant.
Coding change: c.295C>T on transcript NM_005222.4 (MANE Select); coding-DNA position 295, C replaced by T.
Protein change: p.Pro99Ser; replaces proline 99 with serine.
Molecular consequence: missense variant.
Genome position (GRCh38, 1-based): chr7:97,006,272, C>T. VCF-style: chr7-97006272-C-T. GRCh37 (hg19) VCF-style: chr7-96635584-C-T.
Other names: short protein forms P99S.
Identifiers: ClinVar variation 2175385 (VCV002175385.4), dbSNP rs1279054885, ClinGen allele CA368257268.

ClinVar aggregate classification (germline): Uncertain significance (1 of 4 stars; one submission).

Allele frequency attached by ClinVar (database versions not stated): gnomAD 0.00001; TOPMed 0.00001.

Submission:

Labcorp Genetics (formerly Invitae), Labcorp
Classification: Uncertain significance. Last evaluated: 2022-04-18. Review status: criteria provided, single submitter. Criteria: Invitae Variant Classification Sherloc (09022015). Collection method: clinical testing. Allele origin: germline.
Comment: This sequence change replaces proline, which is neutral and non-polar, with serine, which is neutral and polar, at codon 99 of the DLX6 protein (p.Pro99Ser). In summary, the available evidence is currently insufficient to determine the role of this variant in disease. Therefore, it has been classified as a Variant of Uncertain Significance. Algorithms developed to predict the effect of missense changes on protein structure and function output the following: SIFT: "Tolerated"; PolyPhen-2: "Benign"; Align-GVGD: "Class C0". The serine amino acid residue is found in multiple mammalian species, which suggests that this missense change does not adversely affect protein function. This variant is not present in population databases (gnomAD no frequency). This variant has not been reported in the literature in individuals affected with DLX6-related conditions.